The following is an entry in ClinVar:

ClinVar aggregate classification (germline): Pathogenic. Review status: reviewed by expert panel (3 of 4 stars). 2 submissions from 2 submitters: Pathogenic (1). 1 of the submissions does not count toward it. Last evaluated 2016-10-18.

Conditions:
Breast-ovarian cancer, familial, susceptibility to, 2 (BROVCA2). Also called: BRCA2 Hereditary Breast and Ovarian Cancer. Identifiers: Orphanet 145, MedGen C2675520, MONDO:0012933, OMIM 612555. Disease mechanism: loss of function.

Submissions (2):

Evidence-based Network for the Interpretation of Germline Mutant Alleles (ENIGMA)
Classification: Pathogenic for Breast-ovarian cancer, familial, susceptibility to, 2. Last evaluated: 2016-10-18. Review status: reviewed by expert panel. Criteria: ENIGMA BRCA1/2 Classification Criteria (2015). Collection method: curation. Allele origin: germline.
Comment: Variant allele predicted to encode a truncated non-functional protein.

Consortium of Investigators of Modifiers of BRCA1/2 (CIMBA), c/o University of Cambridge
Classification: Pathogenic for Breast-ovarian cancer, familial, susceptibility to, 2. Last evaluated: 2015-10-02. Review status: criteria provided, single submitter. Criteria: CIMBA Mutation Classification guidelines May 2016. Collection method: clinical testing. Allele origin: germline. Not counted in ClinVar's aggregate classification.

NM_000059.4(BRCA2):c.2509_2513del (p.Glu837fs)

Gene: BRCA2 (BRCA2 DNA repair associated; plus strand). Cytogenetic location: 13q13.1.
Variant type: Deletion.
Coding change: c.2509_2513del on transcript NM_000059.4 (MANE Select); coding-DNA positions 2509 to 2513, 5 bases deleted (GAAAA; older notation c.2509_2513delGAAAA).
Protein change: p.Glu837fs; shifts the reading frame from glutamic acid 837.
Molecular consequence: frameshift variant.
Genome position (GRCh38, 1-based): chr13:32,336,864-32,336,868, GAAAA deleted. VCF-style (leftmost placement, unchanged base first): chr13-32336863-TGAAAA-T. GRCh37 (hg19) VCF-style: chr13-32911000-TGAAAA-T.
Other names: 2737_2741del5; short protein forms E837fs.
Identifiers: ClinVar variation 266704 (VCV000266704.5), dbSNP rs886040431, ClinGen allele CA10589158.
Genomic context (GRCh38, chr13:32,336,863, plus strand): 5'-AAAGAATCAAGATGTATGTGCTTTAAATGAAAATTATAAAAACGTTGAGCTGTTGCCACC[TGAAAA>T]ATACATGAGAGTAGCATCACCTTCAAGAAAGGTACAATTCAACCAAAACACAAATCTAAG-3'